The following is an entry in ClinVar:

NM_001199753.2(CPT1C):c.2392A>G (p.Met798Val)

Gene: CPT1C (carnitine palmitoyltransferase 1C; plus strand). Cytogenetic location: 19q13.33.
Variant type: single nucleotide variant.
Coding change: c.2392A>G on transcript NM_001199753.2 (MANE Select); coding-DNA position 2392, A replaced by G.
Protein change: p.Met798Val; replaces methionine 798 with valine.
Molecular consequence: missense variant. On other transcripts: non-coding transcript variant (1).
Genome position (GRCh38, 1-based): chr19:49,713,585, A>G. VCF-style: chr19-49713585-A-G. GRCh37 (hg19) VCF-style: chr19-50216842-A-G.
Other names: p.Met787Val; c.2359A>G, p.Met787Val (NM_001136052.3, NM_001378485.1); c.2392A>G, p.Met798Val (NM_001199752.3, NM_001378483.1, NM_001378484.1 and 1 more transcripts); c.2458A>G, p.Met820Val (NM_001378482.1); c.2257A>G, p.Met753Val (NM_001378486.1, NM_001378488.1); c.2224A>G, p.Met742Val (NM_001378487.1); short protein forms M787V, M798V, M820V, M742V, M753V.
Identifiers: ClinVar variation 542770 (VCV000542770.16), dbSNP rs113511313, ClinGen allele CA9582511.

ClinVar aggregate classification (germline): Benign/Likely benign. Review status: criteria provided, multiple submitters, no conflicts (2 of 4 stars). 4 submissions from 4 submitters: Benign (1); Likely benign (3). Last evaluated 2026-01-15.

Conditions:
Hereditary spastic paraplegia 73. Also called: Spastic paraplegia 73, autosomal dominant. Identifiers: Orphanet 444099, MedGen C5568981, MONDO:0014568, OMIM 616282.

Allele frequency attached by ClinVar (database versions not stated): 1000 Genomes Project 0.00060; 1000 Genomes Project 30x 0.00078; TOPMed 0.00216; gnomAD 0.00226 and 0.00232; gnomAD exomes 0.00273; ExAC 0.00313; ESP Exome Variant Server 0.00323.
gnomAD v4.1: 5,581 of 1,612,116 alleles (0.35%); highest among the groups gnomAD compares: Non-Finnish European, 0.41%; 19 homozygotes.

Submissions (4):

Labcorp Genetics (formerly Invitae), Labcorp
Classification: Likely benign for Hereditary spastic paraplegia 73. Last evaluated: 2026-01-15. Review status: criteria provided, single submitter. Criteria: Invitae Variant Classification Sherloc (09022015). Collection method: clinical testing. Allele origin: germline.

Blueprint Genetics
Classification: Likely benign. Last evaluated: 2024-10-25. Review status: criteria provided, single submitter. Criteria: ACMG Guidelines, 2015. Collection method: clinical testing. Allele origin: germline.

Mayo Clinic Laboratories, Mayo Clinic
Classification: Benign. Last evaluated: 2024-10-22. Review status: criteria provided, single submitter. Criteria: ACMG Guidelines, 2015. Collection method: clinical testing. Allele origin: germline. Observed: 2 variant alleles.
Comment: BS1, BS2, BP4

Institute of Human Genetics, University of Leipzig Medical Center
Classification: Likely benign for Hereditary spastic paraplegia 73. Last evaluated: 2019-01-01. Review status: criteria provided, single submitter. Criteria: ACMG Guidelines, 2015. Collection method: clinical testing. Allele origin: unknown. Affected: yes.